The following is an entry in ClinVar:

ClinVar aggregate classification (germline): Pathogenic (1 of 4 stars; one submission).

Conditions:
Developmental and epileptic encephalopathy, 53. Also called: Epileptic encephalopathy, early infantile, 53. Identifiers: MedGen C4479313, MONDO:0033362, OMIM 617389.
Early-onset Parkinson disease 20. Also called: PARKINSON DISEASE 20, AUTOSOMAL RECESSIVE EARLY-ONSET. Identifiers: Orphanet 391411, MedGen C3809824, MONDO:0014233, OMIM 615530.

Submission:

Labcorp Genetics (formerly Invitae), Labcorp
Classification: Pathogenic for Developmental and epileptic encephalopathy, 53; Early-onset Parkinson disease 20. Last evaluated: 2022-03-19. Review status: criteria provided, single submitter. Criteria: Invitae Variant Classification Sherloc (09022015). Collection method: clinical testing. Allele origin: germline.
Comment: For these reasons, this variant has been classified as Pathogenic. ClinVar contains an entry for this variant (Variation ID: 1075587). This variant has not been reported in the literature in individuals affected with SYNJ1-related conditions. This variant is not present in population databases (gnomAD no frequency). This sequence change creates a premature translational stop signal (p.Met467Glnfs*5) in the SYNJ1 gene. It is expected to result in an absent or disrupted protein product. Loss-of-function variants in SYNJ1 are known to be pathogenic (PMID: 25316601, 27435091).

Literature cited by the submitters: PubMed 25316601; PubMed 27435091.

NM_203446.3(SYNJ1):c.1279_1280dup (p.Met428fs)

Gene: SYNJ1 (synaptojanin 1; minus strand). Cytogenetic location: 21q22.11.
Variant type: Duplication.
Coding change: c.1279_1280dup on transcript NM_203446.3 (MANE Select); coding-DNA positions 1279 to 1280, 2 bases duplicated (TC; older notation c.1279_1280dupTC).
Protein change: p.Met428fs; shifts the reading frame from methionine 428.
Molecular consequence: frameshift variant.
Genome position (GRCh38, 1-based): chr21:32,681,569-32,681,570, GA duplicated on the plus strand (TC on the coding strand, the reverse complement: SYNJ1 is on the minus strand). VCF-style (leftmost placement, unchanged base first): chr21-32681568-T-TGA. GRCh37 (hg19) VCF-style: chr21-34053878-T-TGA.
Other names: c.1279_1280dup, p.Met428Glnfs (NM_001160302.2); c.1279_1280dup, p.Met428fs (NM_001160306.2); c.1396_1397dup, p.Met467Glnfs (NM_003895.4); short protein forms M428fs, M467fs.
Identifiers: ClinVar variation 1075587 (VCV001075587.7), dbSNP rs2146047336, ClinGen allele CA2499225853.